The following is an entry in ClinVar:

NM_020738.4(KIDINS220):c.282G>A (p.Gly94=)

Gene: KIDINS220 (kinase D interacting substrate 220; minus strand). Cytogenetic location: 2p25.1.
Variant type: single nucleotide variant.
Coding change: c.282G>A on transcript NM_020738.4 (MANE Select); coding-DNA position 282, G replaced by A.
Protein change: p.Gly94=; no amino-acid change (glycine 94 retained).
Molecular consequence: synonymous variant. On other transcripts: non-coding transcript variant (2).
Genome position (GRCh38, 1-based): chr2:8,817,642, C>T on the plus strand (G>A on the coding strand, the complement: KIDINS220 is on the minus strand). VCF-style: chr2-8817642-C-T. GRCh37 (hg19) VCF-style: chr2-8957772-C-T.
Other names: c.282G>A, p.Gly94= (NM_001348729.2, NM_001348731.2, NM_001348732.2 and 9 more transcripts); c.156G>A, p.Gly52= (NM_001348736.2).
Identifiers: ClinVar variation 4986650 (VCV004986650.1).
Genomic context (GRCh38, chr2:8,817,642, plus strand): 5'-TTTCAGCTAATTAAGAACATATAAAAATGTCCATACCATATCACGGTGCTCCAAGTTAAC[C>T]CCACATTTCAGTAGTTCCTCTACGATGTGCACATGCCCTTCTTTCGATGCAGATATAAGT-3'
Protein context (NP_065789.1, residues 84-104): VHIVEELLKC[Gly94=]VNLEHRDMGG

ClinVar aggregate classification (germline): Likely benign (1 of 4 stars; one submission).

Conditions:
KIDINS220-related disorder. Also called: KIDINS220-related condition.

Submission:

PreventionGenetics, part of Exact Sciences
Classification: Likely benign for KIDINS220-related condition. Last evaluated: 2025-04-24. Review status: criteria provided, single submitter. Criteria: ACMG Guidelines, 2015. Collection method: clinical testing. Allele origin: germline.
Comment: This variant is classified as likely benign based on ACMG/AMP sequence variant interpretation guidelines (Richards et al. 2015 PMID: 25741868, with internal and published modifications).